The following is an entry in ClinVar:

NM_001793.6(CDH3):c.434T>C (p.Ile145Thr)

Gene: CDH3 (cadherin 3; plus strand). Cytogenetic location: 16q22.1.
Variant type: single nucleotide variant.
Coding change: c.434T>C on transcript NM_001793.6 (MANE Select); coding-DNA position 434, T replaced by C.
Protein change: p.Ile145Thr; replaces isoleucine 145 with threonine.
Molecular consequence: missense variant.
Genome position (GRCh38, 1-based): chr16:68,678,544, T>C. VCF-style: chr16-68678544-T-C. GRCh37 (hg19) VCF-style: chr16-68712447-T-C.
Other names: c.434T>C, p.Ile145Thr (NM_001317195.3); c.269T>C, p.Ile90Thr (NM_001317196.2); short protein forms I145T, I90T.
Identifiers: ClinVar variation 1017733 (VCV001017733.7), dbSNP rs1961102086, ClinGen allele CA396448956.

ClinVar aggregate classification (germline): Uncertain significance (1 of 4 stars; one submission).

Allele frequency attached by ClinVar (database versions not stated): gnomAD exomes below 0.00001.
gnomAD v4.1: 1 of 1,614,238 alleles (0.000062%); highest among the groups gnomAD compares: Non-Finnish European, 0.000085%; no homozygotes.

Submission:

Labcorp Genetics (formerly Invitae), Labcorp
Classification: Uncertain significance. Last evaluated: 2020-10-14. Review status: criteria provided, single submitter. Criteria: Invitae Variant Classification Sherloc (09022015). Collection method: clinical testing. Allele origin: germline.
Comment: In summary, the available evidence is currently insufficient to determine the role of this variant in disease. Therefore, it has been classified as a Variant of Uncertain Significance. Algorithms developed to predict the effect of missense changes on protein structure and function are either unavailable or do not agree on the potential impact of this missense change (SIFT: "Not Available"; PolyPhen-2: "Probably Damaging"; Align-GVGD: "Not Available"). This variant has not been reported in the literature in individuals with CDH3-related conditions. This variant is not present in population databases (ExAC no frequency). This sequence change replaces isoleucine with threonine at codon 145 of the CDH3 protein (p.Ile145Thr). The isoleucine residue is highly conserved and there is a moderate physicochemical difference between isoleucine and threonine.